The following is an entry in ClinVar:

NM_001371727.1(GABRB2):c.813A>T (p.Ser271=)

Gene: GABRB2 (gamma-aminobutyric acid type A receptor subunit beta2; minus strand). Cytogenetic location: 5q34.
Variant type: single nucleotide variant.
Coding change: c.813A>T on transcript NM_001371727.1 (MANE Select); coding-DNA position 813, A replaced by T.
Protein change: p.Ser271=; no amino-acid change (serine 271 retained).
Molecular consequence: synonymous variant.
Genome position (GRCh38, 1-based): chr5:161,334,771, T>A on the plus strand (A>T on the coding strand, the complement: GABRB2 is on the minus strand). VCF-style: chr5-161334771-T-A. GRCh37 (hg19) VCF-style: chr5-160761778-T-A.
Other names: c.813A>T, p.Ser271= (NM_000813.3, NM_021911.3).
Identifiers: ClinVar variation 792423 (VCV000792423.19), dbSNP rs367813708, ClinGen allele CA3543476.

ClinVar aggregate classification (germline): Likely benign. Review status: criteria provided, multiple submitters, no conflicts (2 of 4 stars). 3 submissions from 3 submitters: Likely benign (2). 1 of the submissions does not count toward it. Last evaluated 2025-10-24.

Conditions:
GABRB2-related disorder. Also called: GABRB2-related condition.
Intellectual disability. Also called: Intellectual developmental disorder; Intellectual functioning disability; intellectual disabilities. Identifiers: MedGen C3714756, MeSH D008607, MONDO:0001071, HP:0001249.

Allele frequency attached by ClinVar (database versions not stated): ExAC 0.00001; gnomAD 0.00001; TOPMed 0.00002; gnomAD exomes 0.00003; ESP Exome Variant Server 0.00008.
gnomAD v4.1: 53 of 1,613,822 alleles (0.0033%); highest among the groups gnomAD compares: Non-Finnish European, 0.0043%; no homozygotes.

Submissions (3):

Labcorp Genetics (formerly Invitae), Labcorp
Classification: Likely benign for Intellectual disability. Last evaluated: 2025-10-24. Review status: criteria provided, single submitter. Criteria: Invitae Variant Classification Sherloc (09022015). Collection method: clinical testing. Allele origin: germline.

CeGaT Center for Human Genetics Tuebingen
Classification: Likely benign. Last evaluated: 2025-08-01. Review status: criteria provided, single submitter. Criteria: CeGaT Center For Human Genetics Tuebingen Variant Classification Criteria Version 2. Collection method: clinical testing. Allele origin: germline. Affected: yes. Observed: 1 variant allele.
Comment: GABRB2: BP4, BP7

PreventionGenetics, part of Exact Sciences
Classification: Likely benign for GABRB2-related condition. Last evaluated: 2020-08-04. Review status: no assertion criteria provided. Collection method: clinical testing. Allele origin: germline. Not counted in ClinVar's aggregate classification.
Comment: This variant is classified as likely benign based on ACMG/AMP sequence variant interpretation guidelines (Richards et al. 2015 PMID: 25741868, with internal and published modifications).